The following is an entry in ClinVar:

ClinVar aggregate classification (germline): Likely benign (1 of 4 stars; one submission).

Conditions:
Fanconi anemia complementation group C (FANCC). Also called: FANCONI PANCYTOPENIA, TYPE 3; FACC; Fanconi anemia, group C; FANCC-Related Fanconi Anemia. Identifiers: Orphanet 84, MedGen C3468041, MONDO:0009213, OMIM 227645.

Allele frequency attached by ClinVar (database versions not stated): 1000 Genomes Project 30x 0.00062; 1000 Genomes Project 0.00080; gnomAD 0.00105 and 0.00107; TOPMed 0.00112; gnomAD exomes 0.00129.
gnomAD v4.1: 260 of 232,908 alleles (0.11%); highest among the groups gnomAD compares: Non-Finnish European, 0.18%; no homozygotes.

Submission:

Illumina Laboratory Services, Illumina
Classification: Likely benign for Fanconi anemia complementation group C. Last evaluated: 2018-01-13. Review status: criteria provided, single submitter. Criteria: ICSL Variant Classification Criteria 13 December 2019. Collection method: clinical testing. Allele origin: germline.
Comment: This variant was observed in the ICSL laboratory as part of a predisposition screen in an ostensibly healthy population. It had not been previously curated by ICSL or reported in the Human Gene Mutation Database (HGMD: prior to June 1st, 2018), and was therefore a candidate for classification through an automated scoring system. Utilizing variant allele frequency, disease prevalence and penetrance estimates, and inheritance mode, an automated score was calculated to assess if this variant is too frequent to cause the disease. Based on the score and internal cut-off values, a variant classified as likely benign is not then subjected to further curation. The score for this variant resulted in a classification of likely benign for this disease.

NM_000136.3(FANCC):c.*1879C>T

Genes: AOPEP (aminopeptidase O (putative); plus strand), FANCC (FA complementation group C; minus strand). Cytogenetic location: 9q22.32.
Variant type: single nucleotide variant.
Coding change: c.*1879C>T on transcript NM_000136.3 (MANE Select); 1879 bases downstream of the stop codon, C replaced by T.
Molecular consequence: 3 prime UTR variant.
Genome position (GRCh38, 1-based): chr9:95,099,828, G>A on the plus strand (C>T on the coding strand, the complement: FANCC is on the minus strand). VCF-style: chr9-95099828-G-A. GRCh37 (hg19) VCF-style: chr9-97862110-G-A.
Other names: c.*1879C>T (NM_001243743.2).
Identifiers: ClinVar variation 367580 (VCV000367580.5), dbSNP rs192262179, ClinGen allele CA10634499.